The following is an entry in ClinVar:

NM_006939.4(SOS2):c.2057+19_2057+20del

Gene: SOS2 (SOS Ras/Rho guanine nucleotide exchange factor 2; minus strand). Cytogenetic location: 14q21.3.
Variant type: Deletion.
Coding change: c.2057+19_2057+20del on transcript NM_006939.4 (MANE Select); bases 19 to 20 of the intron after coding-DNA position 2057, 2 bases deleted (TT; older notation c.2057+19_2057+20delTT).
Molecular consequence: intron variant.
Genome position (GRCh38, 1-based): chr14:50,156,979-50,156,980, AA deleted on the plus strand (TT on the coding strand, the reverse complement: SOS2 is on the minus strand); deleting any 2 consecutive bases within chr14:50,156,979-50,156,984 gives the same sequence; the c. name uses the placement nearest the transcript's 3' end. VCF-style (leftmost placement, unchanged base first): chr14-50156978-TAA-T. GRCh37 (hg19) VCF-style: chr14-50623696-TAA-T.
Other names: c.2057+19_2057+20delTT (NM_006939.2).
Identifiers: ClinVar variation 420654 (VCV000420654.19), dbSNP rs111970905, ClinGen allele CA7177172.

ClinVar aggregate classification (germline): Benign/Likely benign. Review status: criteria provided, multiple submitters, no conflicts (2 of 4 stars). 6 submissions from 6 submitters: Benign (3); Likely benign (3). Last evaluated 2025-07-21.

Conditions:
Noonan syndrome 9 (NS9). Identifiers: Orphanet 648, MedGen C4225282, MONDO:0014691, OMIM 616559.

Submissions (6):

Labcorp Genetics (formerly Invitae), Labcorp
Classification: Benign for Noonan syndrome 9. Last evaluated: 2025-07-21. Review status: criteria provided, single submitter. Criteria: Invitae Variant Classification Sherloc (09022015). Collection method: clinical testing. Allele origin: germline.

ARUP Laboratories, Molecular Genetics and Genomics, ARUP Laboratories
Classification: Benign for Noonan syndrome 9. Last evaluated: 2025-02-21. Review status: criteria provided, single submitter. Criteria: ARUP Molecular Germline Variant Investigation Process 2024. Collection method: clinical testing. Allele origin: germline.

Blueprint Genetics
Classification: Likely benign. Last evaluated: 2024-11-27. Review status: criteria provided, single submitter. Criteria: ACMG Guidelines, 2015. Collection method: clinical testing. Allele origin: germline.

Women's Health and Genetics/Laboratory Corporation of America, LabCorp
Classification: Benign. Last evaluated: 2019-08-19. Review status: criteria provided, single submitter. Criteria: LabCorp Variant Classification Summary - May 2015. Collection method: clinical testing. Allele origin: germline.
Comment: Variant summary: SOS2 c.2057+19_2057+20delTT alters a conserved nucleotide located close to a canonical splice site and therefore could affect mRNA splicing, leading to a significantly altered protein sequence. 3/3 computational tools predict no significant impact on normal splicing. However, these predictions have yet to be confirmed by functional studies. The variant allele was found at a frequency of 0.028 in 152824 control chromosomes in the gnomAD database (exomes dataset), including 51 homozygotes. The observed variant frequency is approximately 11000 fold of the estimated maximal expected allele frequency for a pathogenic variant in SOS2 causing Noonan Syndrome and Related Conditions phenotype (2.5e-06), strongly suggesting that the variant is benign. To our knowledge, no occurrence of c.2057+19_2057+20delTT in individuals affected with Noonan Syndrome and Related Conditions and no experimental evidence demonstrating its impact on protein function have been reported. One clinical diagnostic laboratory has submitted clinical-significance assessments for this variant to ClinVar after 2014, and classified the variant as likely benign. Based on the evidence outlined above, the variant was classified as benign.

GeneDx
Classification: Likely benign. Last evaluated: 2018-03-20. Review status: criteria provided, single submitter. Criteria: GeneDx Variant Classification (06012015). Collection method: clinical testing. Allele origin: germline. Affected: yes.
Comment: This variant is considered likely benign or benign based on one or more of the following criteria: it is a conservative change, it occurs at a poorly conserved position in the protein, it is predicted to be benign by multiple in silico algorithms, and/or has population frequency not consistent with disease.

Genome-Nilou Lab
Classification: Likely benign for Noonan syndrome 9. Review status: criteria provided, single submitter. Criteria: ACMG Guidelines, 2015. Collection method: clinical testing. Allele origin: germline.